The following continues an entry in ClinVar:

NM_001267550.2(TTN):c.49985A>C (p.Asn16662Thr)

ClinVar aggregate classification (germline): Benign/Likely benign. Benign (17); Likely benign (5).

Submissions 20 to 29 of 29:

Laboratory for Molecular Medicine, Mass General Brigham Personalized Medicine
Classification: Benign. Last evaluated: 2012-02-13. Review status: criteria provided, single submitter. Criteria: LMM Criteria. Collection method: clinical testing. Allele origin: germline. Observed: 86 variant alleles.
Comment: Asn14094Thr in exon 215 of TTN: This variant has been identified in 1.9% (129/66 48) of European American chromosomes from a broad population by the NHLBI Exome Sequencing Project (dbSNP rs36043230).

Breakthrough Genomics
Classification: Likely benign. Review status: criteria provided, single submitter. Criteria: ACMG Guidelines, 2015. Collection method: not provided. Allele origin: germline. Inheritance: Autosomal recessive inheritance. Affected: yes.

PreventionGenetics, part of Exact Sciences
Classification: Benign. Review status: criteria provided, single submitter. Criteria: ACMG Guidelines, 2015. Collection method: clinical testing. Allele origin: germline.

Clinical Genetics DNA and cytogenetics Diagnostics Lab, Erasmus MC, Erasmus Medical Center
Classification: Benign. Review status: no assertion criteria provided. Collection method: clinical testing. Allele origin: germline. Affected: yes. Study: VKGL Data-share Consensus. Not counted in ClinVar's aggregate classification.

Clinical Genetics, Academic Medical Center
Classification: Benign. Review status: no assertion criteria provided. Collection method: clinical testing. Allele origin: germline. Affected: yes. Study: VKGL Data-share Consensus. Not counted in ClinVar's aggregate classification.

Diagnostic Laboratory, Department of Genetics, University Medical Center Groningen
Classification: Likely benign. Review status: no assertion criteria provided. Collection method: clinical testing. Allele origin: germline. Affected: yes. Study: VKGL Data-share Consensus. Not counted in ClinVar's aggregate classification.

Genetic Services Laboratory, University of Chicago
Classification: Likely benign for AllHighlyPenetrant. Review status: no assertion criteria provided. Collection method: clinical testing. Allele origin: germline. Not counted in ClinVar's aggregate classification.
Comment: Likely benign based on allele frequency in 1000 Genomes Project or ESP global frequency and its presence in a patient with a rare or unrelated disease phenotype. NOT Sanger confirmed.

Genome Diagnostics Laboratory, University Medical Center Utrecht
Classification: Benign. Review status: no assertion criteria provided. Collection method: clinical testing. Allele origin: germline. Affected: yes. Study: VKGL Data-share Consensus. Not counted in ClinVar's aggregate classification.

Joint Genome Diagnostic Labs from Nijmegen and Maastricht, Radboudumc and MUMC+
Classification: Benign. Review status: no assertion criteria provided. Collection method: clinical testing. Allele origin: germline. Affected: yes. Study: VKGL Data-share Consensus. Not counted in ClinVar's aggregate classification.

Laboratory of Diagnostic Genome Analysis, Leiden University Medical Center (LUMC)
Classification: Likely benign. Review status: no assertion criteria provided. Collection method: clinical testing. Allele origin: germline. Affected: yes. Study: VKGL Data-share Consensus. Not counted in ClinVar's aggregate classification.

Literature cited by the submitters: PubMed 33393119 (cited by Athena Diagnostics).